The following is an entry in ClinVar:

ClinVar aggregate classification (germline): Uncertain significance (1 of 4 stars; one submission).

gnomAD v4.1: 1 of 1,613,946 alleles (0.000062%); highest among the groups gnomAD compares: Non-Finnish European, 0.000085%; no homozygotes.

Submission:

GeneDx
Classification: Uncertain significance. Last evaluated: 2025-08-07. Review status: criteria provided, single submitter. Criteria: GeneDx Variant Classification Process June 2021. Collection method: clinical testing. Allele origin: germline. Affected: yes.
Comment: Not observed at significant frequency in large population cohorts (gnomAD); In silico analysis supports that this missense variant has a deleterious effect on protein structure/function; Has not been previously published as pathogenic or benign to our knowledge

NM_012090.5(MACF1):c.106C>T (p.Pro36Ser)

Gene: MACF1 (microtubule actin crosslinking factor 1; plus strand). Cytogenetic location: 1p34.3.
Variant type: single nucleotide variant.
Coding change: c.106C>T on transcript NM_012090.5; coding-DNA position 106, C replaced by T.
Protein change: p.Pro36Ser; replaces proline 36 with serine.
Molecular consequence: missense variant.
Genome position (GRCh38, 1-based): chr1:39,084,324, C>T. VCF-style: chr1-39084324-C-T. GRCh37 (hg19) VCF-style: chr1-39549996-C-T.
Other names: short protein forms P36S.
Identifiers: ClinVar variation 4756015 (VCV004756015.1).